The following is an entry in ClinVar:

NM_019066.5(MAGEL2):c.699A>G (p.Pro233=)

Gene: MAGEL2 (MAGE family member L2; minus strand). Cytogenetic location: 15q11.2.
Variant type: single nucleotide variant.
Coding change: c.699A>G on transcript NM_019066.5 (MANE Select); coding-DNA position 699, A replaced by G.
Protein change: p.Pro233=; no amino-acid change (proline 233 retained).
Molecular consequence: synonymous variant.
Genome position (GRCh38, 1-based): chr15:23,647,044, T>C on the plus strand (A>G on the coding strand, the complement: MAGEL2 is on the minus strand). VCF-style: chr15-23647044-T-C. GRCh37 (hg19) VCF-style: chr15-23892191-T-C.
Identifiers: ClinVar variation 3729366 (VCV003729366.2).

ClinVar aggregate classification (germline): Uncertain significance (1 of 4 stars; one submission).

Submission:

Labcorp Genetics (formerly Invitae), Labcorp
Classification: Uncertain significance. Last evaluated: 2025-01-22. Review status: criteria provided, single submitter. Criteria: Invitae Variant Classification Sherloc (09022015). Collection method: clinical testing. Allele origin: germline.
Comment: This sequence change affects codon 233 of the MAGEL2 mRNA. It is a 'silent' change, meaning that it does not change the encoded amino acid sequence of the MAGEL2 protein. This variant is not present in population databases (gnomAD no frequency). This variant has not been reported in the literature in individuals affected with MAGEL2-related conditions. In summary, the available evidence is currently insufficient to determine the role of this variant in disease. Therefore, it has been classified as a Variant of Uncertain Significance.